The following is an entry in ClinVar:

NM_032043.3(BRIP1):c.2429T>C (p.Leu810Pro)

Gene: BRIP1 (BRCA1 interacting DNA helicase 1; minus strand). Cytogenetic location: 17q23.2.
Variant type: single nucleotide variant.
Coding change: c.2429T>C on transcript NM_032043.3 (MANE Select); coding-DNA position 2429, T replaced by C.
Protein change: p.Leu810Pro; replaces leucine 810 with proline.
Molecular consequence: missense variant.
Genome position (GRCh38, 1-based): chr17:61,716,014, A>G on the plus strand (T>C on the coding strand, the complement: BRIP1 is on the minus strand). VCF-style: chr17-61716014-A-G. GRCh37 (hg19) VCF-style: chr17-59793375-A-G.
Other names: short protein forms L810P.
Identifiers: ClinVar variation 971347 (VCV000971347.10), dbSNP rs2061855206, ClinGen allele CA400479650.

ClinVar aggregate classification (germline): Uncertain significance (1 of 4 stars; one submission).

Conditions:
Fanconi anemia complementation group J. Also called: BRIP1-Related Fanconi Anemia. Identifiers: Orphanet 84, MedGen C1836860, MONDO:0012187, OMIM 609054.
Familial cancer of breast. Also called: BREAST CANCER, FAMILIAL; Hereditary breast cancer; hereditary breast carcinoma. Identifiers: Orphanet 227535, MedGen C0346153, MONDO:0016419, OMIM 114480. Disease mechanism: loss of function.

Submission:

Labcorp Genetics (formerly Invitae), Labcorp
Classification: Uncertain significance for Familial cancer of breast; Fanconi anemia complementation group J. Last evaluated: 2019-11-10. Review status: criteria provided, single submitter. Criteria: Invitae Variant Classification Sherloc (09022015). Collection method: clinical testing. Allele origin: germline.
Comment: This sequence change replaces leucine with proline at codon 810 of the BRIP1 protein (p.Leu810Pro). The leucine residue is highly conserved and there is a moderate physicochemical difference between leucine and proline. This variant is not present in population databases (ExAC no frequency). This variant has not been reported in the literature in individuals with BRIP1-related conditions. Algorithms developed to predict the effect of missense changes on protein structure and function are either unavailable or do not agree on the potential impact of this missense change (SIFT: "Deleterious"; PolyPhen-2: "Probably Damaging"; Align-GVGD: "Class C0"). In summary, the available evidence is currently insufficient to determine the role of this variant in disease. Therefore, it has been classified as a Variant of Uncertain Significance.